The following is an entry in ClinVar:

ClinVar aggregate classification (germline): Benign. Review status: criteria provided, multiple submitters, no conflicts (2 of 4 stars). 2 submissions from 2 submitters: Benign (2). Last evaluated 2018-06-14.

Allele frequency attached by ClinVar (database versions not stated): 1000 Genomes Project 30x 0.15506; 1000 Genomes Project 0.16114; gnomAD 0.18835; TOPMed 0.19252.
gnomAD v4.1: 29,916 of 152,214 alleles (20%); highest among the groups gnomAD compares: Admixed American, 27%; 3,650 homozygotes.

Submissions (2):

GeneDx
Classification: Benign. Last evaluated: 2018-06-14. Review status: criteria provided, single submitter. Criteria: GeneDx Variant Classification (06012015). Collection method: clinical testing. Allele origin: germline. Affected: yes.
Comment: This variant is considered likely benign or benign based on one or more of the following criteria: it is a conservative change, it occurs at a poorly conserved position in the protein, it is predicted to be benign by multiple in silico algorithms, and/or has population frequency not consistent with disease.

Breakthrough Genomics
Classification: Benign. Review status: criteria provided, single submitter. Criteria: ACMG Guidelines, 2015. Collection method: not provided. Allele origin: germline. Inheritance: Autosomal recessive inheritance. Affected: yes.

NM_006059.4(LAMC3):c.1519+204C>G

Gene: LAMC3 (laminin subunit gamma 3; plus strand). Cytogenetic location: 9q34.12.
Variant type: single nucleotide variant.
Coding change: c.1519+204C>G on transcript NM_006059.4 (MANE Select); 204 bases into the intron after coding-DNA position 1519, C replaced by G.
Molecular consequence: intron variant.
Genome position (GRCh38, 1-based): chr9:131,045,864, C>G. VCF-style: chr9-131045864-C-G. GRCh37 (hg19) VCF-style: chr9-133921251-C-G.
Identifiers: ClinVar variation 682995 (VCV000682995.2), dbSNP rs2277154, ClinGen allele CA12973141.